The following is an entry in ClinVar:

ClinVar aggregate classification (germline): other (0 of 4 stars; one submission).

Conditions:
Familial colorectal cancer. Identifiers: MedGen CN280943, MONDO:0023113. Disease mechanism: loss of function.

Submission:

Systems Biology Platform Zhejiang California International NanoSystems Institute
Classification: other for Familial colorectal cancer. Review status: no assertion criteria provided. Collection method: not provided. Allele origin: unknown.
ClinVar note: Converted during submission from cancer to other.

NM_000038.6(APC):c.1743+439T>A

Gene: APC (APC regulator of WNT signaling pathway; plus strand). Cytogenetic location: 5q22.2.
Variant type: single nucleotide variant.
Coding change: c.1743+439T>A on transcript NM_000038.6 (MANE Select); 439 bases into the intron after coding-DNA position 1743, T replaced by A.
Molecular consequence: intron variant.
Genome position (GRCh38, 1-based): chr5:112,829,411, T>A. VCF-style: chr5-112829411-T-A. GRCh37 (hg19) VCF-style: chr5-112165108-T-A.
Other names: c.1743+439T>A (NM_001354895.2, NM_001127510.3); c.1773+439T>A (NM_001354897.2); c.1470+439T>A (NM_001354902.2); c.1689+439T>A (NM_001127511.3); c.1668+439T>A (NM_001354898.2); c.1365+439T>A (NM_001354904.2); c.894+439T>A (NM_001354906.2); c.1797+439T>A (NM_001354896.2); and 5 more.
Identifiers: ClinVar variation 82585 (VCV000082585.2), dbSNP rs79045815, ClinGen allele CA005675.